The following is an entry in ClinVar:

NM_014915.3(ANKRD26):c.2982T>G (p.Asn994Lys)

Gene: ANKRD26 (ankyrin repeat domain containing 26; minus strand). Cytogenetic location: 10p12.1.
Variant type: single nucleotide variant.
Coding change: c.2982T>G on transcript NM_014915.3 (MANE Select); coding-DNA position 2982, T replaced by G.
Protein change: p.Asn994Lys; replaces asparagine 994 with lysine.
Molecular consequence: missense variant.
Genome position (GRCh38, 1-based): chr10:27,035,468, A>C on the plus strand (T>G on the coding strand, the complement: ANKRD26 is on the minus strand). VCF-style: chr10-27035468-A-C. GRCh37 (hg19) VCF-style: chr10-27324397-A-C.
Other names: c.2979T>G, p.Asn993Lys (NM_001256053.2); short protein forms N994K, N993K.
Identifiers: ClinVar variation 3869721 (VCV003869721.1).

ClinVar aggregate classification (germline): Uncertain significance (1 of 4 stars; one submission).

Conditions:
Inborn genetic diseases. Identifiers: MedGen C0950123, MeSH D030342.

Submission:

Ambry Genetics
Classification: Uncertain significance for Inborn genetic diseases. Last evaluated: 2024-12-25. Review status: criteria provided, single submitter. Criteria: Ambry Variant Classification Scheme 2023. Collection method: clinical testing. Allele origin: germline.
Comment: The p.N994K variant (also known as c.2982T>G), located in coding exon 24 of the ANKRD26 gene, results from a T to G substitution at nucleotide position 2982. The asparagine at codon 994 is replaced by lysine, an amino acid with similar properties. This amino acid position is conserved. In addition, this alteration is predicted to be tolerated by in silico analysis. Based on the available evidence, the clinical significance of this variant remains unclear.